The following is an entry in ClinVar:

NM_000530.8(MPZ):c.277G>C (p.Gly93Arg)

Gene: MPZ (myelin protein zero; minus strand). Cytogenetic location: 1q23.3.
Variant type: single nucleotide variant.
Coding change: c.277G>C on transcript NM_000530.8 (MANE Select); coding-DNA position 277, G replaced by C.
Protein change: p.Gly93Arg; replaces glycine 93 with arginine.
Molecular consequence: missense variant.
Genome position (GRCh38, 1-based): chr1:161,306,879, C>G on the plus strand (G>C on the coding strand, the complement: MPZ is on the minus strand). VCF-style: chr1-161306879-C-G. GRCh37 (hg19) VCF-style: chr1-161276669-C-G.
Other names: c.277G>C (LRG_256t1); c.277G>C, p.Gly93Arg (NM_001315491.2); short protein forms G93R.
Identifiers: ClinVar variation 531686 (VCV000531686.2), dbSNP rs1553259691, ClinGen allele CA343349733.
Genomic context (GRCh38, chr1:161,306,879, plus strand): 5'-CAATGGAGCCATCCTTCCAGCGAGGGTCCCCTACCCACTGGATGCGCTCTTTGAAGGTCC[C>G]CACCTCGTCAATGTAGGGTTGTCCCTTGGCATAGTGGAAGATCTATGAGGAATGAGGGGA-3'
Protein context (NP_000521.2, residues 83-103): AKGQPYIDEV[Gly93Arg]TFKERIQWVG

ClinVar aggregate classification (germline): Likely pathogenic (1 of 4 stars; one submission).

Conditions:
Charcot-Marie-Tooth disease, type I (CMT1). Also called: Charcot-Marie-Tooth disease type 1; Charcot-Marie-Tooth, Type 1. Identifiers: Orphanet 65753, MedGen C0751036, MONDO:0019011.

Submission:

Labcorp Genetics (formerly Invitae), Labcorp
Classification: Likely pathogenic for Charcot-Marie-Tooth disease, type I. Last evaluated: 2019-02-06. Review status: criteria provided, single submitter. Criteria: Invitae Variant Classification Sherloc (09022015). Collection method: clinical testing. Allele origin: germline.
Comment: This sequence change replaces glycine with arginine at codon 93 of the MPZ protein (p.Gly93Arg). The glycine residue is highly conserved and there is a moderate physicochemical difference between glycine and arginine. This variant is not present in population databases (ExAC no frequency). This variant has been observed to segregate with clinical features of Charcot-Marie-Tooth disease (CMT) in an affected family (Invitae). Algorithms developed to predict the effect of missense changes on protein structure and function (SIFT, PolyPhen-2, Align-GVGD) all suggest that this variant is likely to be disruptive, but these predictions have not been confirmed by published functional studies and their clinical significance is uncertain. Two different missense substitutions at this codon (p.Gly93Ala, p.Gly93Glu) have been reported in individuals affected with Charcot-Marie-Tooth disease (PMID: 21326314, 9217235). These observations suggest that this novel missense substitution at this residue may affect protein function, but this has not been confirmed by published studies and the clinical significance is uncertain. In summary, the currently available evidence indicates that the variant is pathogenic, but additional data are needed to prove that conclusively. Therefore, this variant has been classified as Likely Pathogenic.

Literature cited by the submitters: PubMed 21326314; PubMed 9217235.